The following is an entry in ClinVar:

NM_006767.4(LZTR1):c.1430C>G (p.Ala477Gly)

Gene: LZTR1 (leucine zipper like post translational regulator 1; plus strand). Cytogenetic location: 22q11.21.
Variant type: single nucleotide variant.
Coding change: c.1430C>G on transcript NM_006767.4 (MANE Select); coding-DNA position 1430, C replaced by G.
Protein change: p.Ala477Gly; replaces alanine 477 with glycine.
Molecular consequence: missense variant.
Genome position (GRCh38, 1-based): chr22:20,994,000, C>G. VCF-style: chr22-20994000-C-G. GRCh37 (hg19) VCF-style: chr22-21348289-C-G.
Other names: short protein forms A477G.
Identifiers: ClinVar variation 1772491 (VCV001772491.8), dbSNP rs762005490, ClinGen allele CA10118883.

ClinVar aggregate classification (germline): Uncertain significance. Review status: criteria provided, multiple submitters, no conflicts (2 of 4 stars). 4 submissions from 4 submitters: Uncertain significance (4). Last evaluated 2025-12-21.

Conditions:
Cardiovascular phenotype. Identifiers: MedGen CN230736.
Hereditary cancer-predisposing syndrome. Also called: Hereditary Cancer Syndrome; Hereditary neoplastic syndrome; Neoplastic Syndromes, Hereditary; Tumor predisposition. Identifiers: Orphanet 140162, MedGen C0027672, MeSH D009386, MONDO:0015356.
Noonan syndrome (NS). Also called: Noonan's syndrome. Identifiers: Orphanet 648, MedGen C0028326, MeSH D009634, MONDO:0018997. Disease mechanism: gain of function.

Allele frequency attached by ClinVar (database versions not stated): ExAC 0.00001; gnomAD 0.00003.

Submissions (4):

Labcorp Genetics (formerly Invitae), Labcorp
Classification: Uncertain significance. Last evaluated: 2025-12-21. Review status: criteria provided, single submitter. Criteria: Invitae Variant Classification Sherloc (09022015). Collection method: clinical testing. Allele origin: germline.
Comment: This sequence change replaces alanine, which is neutral and non-polar, with glycine, which is neutral and non-polar, at codon 477 of the LZTR1 protein (p.Ala477Gly). This variant is present in population databases (rs762005490, gnomAD 0.004%). This variant has not been reported in the literature in individuals affected with LZTR1-related conditions. ClinVar contains an entry for this variant (Variation ID: 1772491). Invitae Evidence Modeling of protein sequence and biophysical properties (such as structural, functional, and spatial information, amino acid conservation, physicochemical variation, residue mobility, and thermodynamic stability) indicates that this missense variant is not expected to disrupt LZTR1 protein function with a negative predictive value of 80%. In summary, the available evidence is currently insufficient to determine the role of this variant in disease. Therefore, it has been classified as a Variant of Uncertain Significance.

GeneDx
Classification: Uncertain significance. Last evaluated: 2025-03-25. Review status: criteria provided, single submitter. Criteria: GeneDx Variant Classification Process June 2021. Collection method: clinical testing. Allele origin: germline. Affected: yes.
Comment: Not observed at significant frequency in large population cohorts (gnomAD); In silico analysis supports that this missense variant has a deleterious effect on protein structure/function; Has not been previously published as pathogenic or benign to our knowledge

Ambry Genetics
Classification: Uncertain significance for Cardiovascular phenotype; Hereditary cancer-predisposing syndrome. Last evaluated: 2024-12-14. Review status: criteria provided, single submitter. Criteria: Ambry Variant Classification Scheme 2023. Collection method: clinical testing. Allele origin: germline.
Comment: The p.A477G variant (also known as c.1430C>G), located in coding exon 13 of the LZTR1 gene, results from a C to G substitution at nucleotide position 1430. The alanine at codon 477 is replaced by glycine, an amino acid with similar properties. This amino acid position is highly conserved in available vertebrate species. In addition, the in silico prediction for this alteration is inconclusive. Since supporting evidence is limited at this time, the clinical significance of this alteration remains unclear.

Clinical Genomics Laboratory, Washington University in St. Louis
Classification: Uncertain significance for Noonan syndrome. Last evaluated: 2023-09-11. Review status: criteria provided, single submitter. Criteria: ACMG Guidelines, 2015. Collection method: clinical testing. Allele origin: germline.
Comment: The LZTR1 c.1430C>G (p.Ala477Gly) variant was identified at near heterozygous allelic fraction. To our knowledge, this variant has not been reported in the medical literature and is only observed on 4/152260 alleles in the general population (gnomAD v.3.1.2), indicating it is not a common variant. LZTR1 c.1430C>G (p.Ala477Gly) has been reported in the ClinVar database as a variant of uncertain significance by a single submitter (ClinVar ID: 1772491). Computational predictors suggest that the variant does not impact LZTR1 function. Due to limited information, and based on ACMG/AMP guidelines for variant interpretation (Richards S et al., PMID: 25741868), this variant is classified as being of uncertain significance at this time.